The following is an entry in ClinVar:

ClinVar aggregate classification (germline): Uncertain significance (1 of 4 stars; one submission).

Conditions:
Gastrointestinal stromal tumor. Also called: Gastrointestinal stromal tumor, somatic; Gastrointestinal stroma tumor. Identifiers: Orphanet 44890, MedGen C0238198, MeSH D046152, MONDO:0011719, OMIM 606764, HP:0100723.

Submission:

Labcorp Genetics (formerly Invitae), Labcorp
Classification: Uncertain significance for Gastrointestinal stromal tumor. Last evaluated: 2022-09-23. Review status: criteria provided, single submitter. Criteria: Invitae Variant Classification Sherloc (09022015). Collection method: clinical testing. Allele origin: germline.
Comment: This sequence change replaces valine, which is neutral and non-polar, with methionine, which is neutral and non-polar, at codon 109 of the KIT protein (p.Val109Met). This variant is not present in population databases (gnomAD no frequency). This variant has not been reported in the literature in individuals affected with KIT-related conditions. ClinVar contains an entry for this variant (Variation ID: 933279). Algorithms developed to predict the effect of missense changes on protein structure and function are either unavailable or do not agree on the potential impact of this missense change (SIFT: "Deleterious"; PolyPhen-2: "Probably Damaging"; Align-GVGD: "Class C0"). In summary, the available evidence is currently insufficient to determine the role of this variant in disease. Therefore, it has been classified as a Variant of Uncertain Significance.

NM_000222.3(KIT):c.325G>A (p.Val109Met)

Gene: KIT (KIT proto-oncogene, receptor tyrosine kinase; plus strand). Cytogenetic location: 4q12.
Variant type: single nucleotide variant.
Coding change: c.325G>A on transcript NM_000222.3 (MANE Select); coding-DNA position 325, G replaced by A.
Protein change: p.Val109Met; replaces valine 109 with methionine.
Molecular consequence: missense variant.
Genome position (GRCh38, 1-based): chr4:54,695,769, G>A. VCF-style: chr4-54695769-G-A. GRCh37 (hg19) VCF-style: chr4-55561935-G-A.
Other names: c.325G>A, p.Val109Met (NM_001093772.2, NM_001385284.1, NM_001385285.1 and 4 more transcripts); short protein forms V109M.
Identifiers: ClinVar variation 933279 (VCV000933279.10), dbSNP rs1720025321, ClinGen allele CA356897332.